The following is an entry in ClinVar:

ClinVar aggregate classification (germline): Pathogenic (1 of 4 stars; one submission).

Conditions:
Majeed syndrome (MJDS). Also called: CHRONIC RECURRENT MULTIFOCAL OSTEOMYELITIS 1, WITH CONGENITAL DYSERYTHROPOIETIC ANEMIA, WITH OR WITHOUT NEUTROPHILIC DERMATOSIS; LPIN2-Related Majeed Syndrome. Identifiers: Orphanet 77297, MedGen C1864997, MONDO:0012316, OMIM 609628.

Submission:

Labcorp Genetics (formerly Invitae), Labcorp
Classification: Pathogenic for Majeed syndrome. Last evaluated: 2021-04-27. Review status: criteria provided, single submitter. Criteria: Invitae Variant Classification Sherloc (09022015). Collection method: clinical testing. Allele origin: germline.
Comment: This sequence change creates a premature translational stop signal (p.Lys387Argfs*21) in the LPIN2 gene. It is expected to result in an absent or disrupted protein product. Loss-of-function variants in LPIN2 are known to be pathogenic (PMID: 15994876, 23087183). For these reasons, this variant has been classified as Pathogenic. This variant has not been reported in the literature in individuals with LPIN2-related conditions. This variant is not present in population databases (ExAC no frequency).

Literature cited by the submitters: PubMed 15994876; PubMed 23087183.

NM_001375808.2(LPIN2):c.1160_1163del (p.Lys387fs)

Gene: LPIN2 (lipin 2; minus strand). Cytogenetic location: 18p11.31.
Variant type: Deletion.
Coding change: c.1160_1163del on transcript NM_001375808.2 (MANE Select); coding-DNA positions 1160 to 1163, 4 bases deleted (AGAA; older notation c.1160_1163delAGAA).
Protein change: p.Lys387fs; shifts the reading frame from lysine 387.
Molecular consequence: frameshift variant.
Genome position (GRCh38, 1-based): chr18:2,937,697-2,937,700, TTCT deleted on the plus strand (AGAA on the coding strand, the reverse complement: LPIN2 is on the minus strand); deleting any 4 consecutive bases within chr18:2,937,697-2,937,702 gives the same sequence; the c. name uses the placement nearest the transcript's 3' end. VCF-style (leftmost placement, unchanged base first): chr18-2937696-CTTCT-C. GRCh37 (hg19) VCF-style: chr18-2937694-CTTCT-C.
Other names: c.1160_1163del, p.Lys387fs (NM_001375809.1, NM_014646.2); short protein forms K387fs.
Identifiers: ClinVar variation 1452588 (VCV001452588.6), dbSNP rs2144194297, ClinGen allele CA2573155116.